The following is an entry in ClinVar:

NM_001171.6(ABCC6):c.3168C>T (p.Asp1056=)

Gene: ABCC6 (ATP binding cassette subfamily C member 6; minus strand). Cytogenetic location: 16p13.11.
Variant type: single nucleotide variant.
Coding change: c.3168C>T on transcript NM_001171.6 (MANE Select); coding-DNA position 3168, C replaced by T.
Protein change: p.Asp1056=; no amino-acid change (aspartic acid 1056 retained).
Molecular consequence: synonymous variant. On other transcripts: non-coding transcript variant (1).
Genome position (GRCh38, 1-based): chr16:16,165,761, G>A on the plus strand (C>T on the coding strand, the complement: ABCC6 is on the minus strand). VCF-style: chr16-16165761-G-A. GRCh37 (hg19) VCF-style: chr16-16259618-G-A.
Other names: c.2826C>T, p.Asp942= (NM_001351800.1); c.3168C>T (NM_001171.5).
Identifiers: ClinVar variation 1297675 (VCV001297675.16), dbSNP rs72657694, ClinGen allele CA7925669.
Genomic context (GRCh38, chr16:16,165,761, plus strand): 5'-GACCTCCAGGAGTCCAAAGGCGTACATCAGCAGGGACCGGAGTTTGTCTGGAATGTCCAC[G>A]TCAACCGTGTCTGTCTCCTTGGAGAAGCGGTTTAGCAGGTGACCAATGGGTGTCCGCTCA-3'
Protein context (NP_001162.5, residues 1046-1066): NRFSKETDTV[Asp1056=]VDIPDKLRSL

ClinVar aggregate classification (germline): Likely benign. Review status: criteria provided, multiple submitters, no conflicts (2 of 4 stars). 7 submissions from 7 submitters: Likely benign (4). 3 of the submissions do not count toward it. Last evaluated 2026-07-01.

Conditions:
ABCC6-related disorder. Also called: ABCC6-related condition.

Allele frequency attached by ClinVar (database versions not stated): gnomAD exomes 0.00007 and 0.00011; gnomAD 0.00009 and 0.00011; ExAC 0.00010; TOPMed 0.00011.
gnomAD v4.1: 137 of 1,613,784 alleles (0.0085%); highest among the groups gnomAD compares: Middle Eastern, 0.23%; no homozygotes.

Submissions (7):

CeGaT Center for Human Genetics Tuebingen
Classification: Likely benign. Last evaluated: 2026-07-01. Review status: criteria provided, single submitter. Criteria: CeGaT Center For Human Genetics Tuebingen Variant Classification Criteria Version 2. Collection method: clinical testing. Allele origin: germline. Affected: yes. Observed: 1 variant allele.
Comment: ABCC6: BP4, BP7

Labcorp Genetics (formerly Invitae), Labcorp
Classification: Likely benign. Last evaluated: 2025-11-19. Review status: criteria provided, single submitter. Criteria: Invitae Variant Classification Sherloc (09022015). Collection method: clinical testing. Allele origin: germline.

Blueprint Genetics
Classification: Likely benign. Last evaluated: 2024-11-19. Review status: criteria provided, single submitter. Criteria: ACMG Guidelines, 2015. Collection method: clinical testing. Allele origin: germline.

Breakthrough Genomics
Classification: Likely benign. Review status: criteria provided, single submitter. Criteria: ACMG Guidelines, 2015. Collection method: not provided. Allele origin: germline. Inheritance: Autosomal recessive inheritance. Affected: yes.

PreventionGenetics, part of Exact Sciences
Classification: Likely benign for ABCC6-related condition. Last evaluated: 2019-12-09. Review status: no assertion criteria provided. Collection method: clinical testing. Allele origin: germline. Not counted in ClinVar's aggregate classification.
Comment: This variant is classified as likely benign based on ACMG/AMP sequence variant interpretation guidelines (Richards et al. 2015 PMID: 25741868, with internal and published modifications).

Clinical Genetics DNA and cytogenetics Diagnostics Lab, Erasmus MC, Erasmus Medical Center
Classification: Likely benign. Review status: no assertion criteria provided. Collection method: clinical testing. Allele origin: germline. Affected: yes. Study: VKGL Data-share Consensus. Not counted in ClinVar's aggregate classification.

Joint Genome Diagnostic Labs from Nijmegen and Maastricht, Radboudumc and MUMC+
Classification: Likely benign. Review status: no assertion criteria provided. Collection method: clinical testing. Allele origin: germline. Affected: yes. Study: VKGL Data-share Consensus. Not counted in ClinVar's aggregate classification.